The following is an entry in ClinVar:

NM_080826.2(ISM1):c.1331A>G (p.Lys444Arg)

Genes: ISM1 (isthmin 1; plus strand), TASP1 (taspase 1; minus strand). Cytogenetic location: 20p12.1.
Variant type: single nucleotide variant.
Coding change: c.1331A>G on transcript NM_080826.2 (MANE Select); coding-DNA position 1331, A replaced by G.
Protein change: p.Lys444Arg; replaces lysine 444 with arginine.
Molecular consequence: missense variant.
Genome position (GRCh38, 1-based): chr20:13,299,395, A>G. VCF-style: chr20-13299395-A-G. GRCh37 (hg19) VCF-style: chr20-13280042-A-G.
Other names: short protein forms K444R.
Identifiers: ClinVar variation 3039192 (VCV003039192.2), dbSNP rs61748835, ClinGen allele CA9766430.

ClinVar aggregate classification (germline): Benign (0 of 4 stars; one submission).

Conditions:
ISM1-related disorder. Also called: ISM1-related condition.

Allele frequency attached by ClinVar (database versions not stated): gnomAD exomes 0.00053; ExAC 0.00188; gnomAD 0.00477; ESP Exome Variant Server 0.00555; TOPMed 0.00570; 1000 Genomes Project 0.01018; 1000 Genomes Project 30x 0.01046.
gnomAD v4.1: 1,532 of 1,612,940 alleles (0.095%); highest among the groups gnomAD compares: African/African-American, 1.7%; 13 homozygotes.

Submission:

PreventionGenetics, part of Exact Sciences
Classification: Benign for ISM1-related condition. Last evaluated: 2019-05-28. Review status: no assertion criteria provided. Collection method: clinical testing. Allele origin: germline.
Comment: This variant is classified as benign based on ACMG/AMP sequence variant interpretation guidelines (Richards et al. 2015 PMID: 25741868, with internal and published modifications).